The following is an entry in ClinVar:

ClinVar aggregate classification (germline): Uncertain significance (1 of 4 stars; one submission).

Conditions:
Peutz-Jeghers syndrome (PJS). Also called: POLYPOSIS, HAMARTOMATOUS INTESTINAL; POLYPS-AND-SPOTS SYNDROME; Peutz-Jeghers polyposis; Periorificial lentiginosis syndrome. Identifiers: Orphanet 2869, MedGen C0031269, MeSH D010580, MONDO:0008280, OMIM 175200.

Submission:

Labcorp Genetics (formerly Invitae), Labcorp
Classification: Uncertain significance for Peutz-Jeghers syndrome. Last evaluated: 2017-09-18. Review status: criteria provided, single submitter. Criteria: Invitae Variant Classification Sherloc (09022015). Collection method: clinical testing. Allele origin: germline.
Comment: This variant is a gross duplication of the genomic region encompassing exon 1 of the STK11 gene. The 5' end of this event is unknown as it extends beyond the assayed region for this gene and therefore may encompass additional genes. The 3' boundary is likely confined to intron 1 of the STK11 gene. Duplication of exon 1 has not been reported in the literature in individuals with a STK11-related disease. Experimental studies and prediction algorithms are not available for this variant, and the functional significance of the duplicated exon is currently unknown. In summary, the exact genomic location of this variant is unknown and the impact of this duplication on STK11 protein function has not been established. Therefore, it has been classified as a Variant of Uncertain Significance.

NC_000019.9:g.(?_1206907)_(1207208_?)dup

Gene: STK11 (serine/threonine kinase 11; plus strand). Cytogenetic location: 19p13.3.
Variant type: Duplication.
Identifiers: ClinVar variation 527862 (VCV000527862.1).